The following is an entry in ClinVar:

ClinVar aggregate classification (germline): Uncertain significance (1 of 4 stars; one submission).

Conditions:
Birt-Hogg-Dube syndrome. Also called: Birt Hogg Dubé syndrome. Identifiers: Orphanet 122, MedGen C0346010, MONDO:0800444.

Allele frequency attached by ClinVar (database versions not stated): gnomAD exomes below 0.00001; TOPMed 0.00001.

Submission:

Labcorp Genetics (formerly Invitae), Labcorp
Classification: Uncertain significance for Birt-Hogg-Dube syndrome. Last evaluated: 2022-04-23. Review status: criteria provided, single submitter. Criteria: Invitae Variant Classification Sherloc (09022015). Collection method: clinical testing. Allele origin: germline.
Comment: In summary, the available evidence is currently insufficient to determine the role of this variant in disease. Therefore, it has been classified as a Variant of Uncertain Significance. Experimental studies and prediction algorithms are not available or were not evaluated, and the functional significance of this variant is currently unknown. This variant has not been reported in the literature in individuals affected with FLCN-related conditions. This variant is not present in population databases (gnomAD no frequency). This variant, c.727_735dup, results in the insertion of 3 amino acid(s) of the FLCN protein (p.Leu244_Ser246dup), but otherwise preserves the integrity of the reading frame.

NM_144997.7(FLCN):c.718TCGCTGACA[3] (p.241LTS[3])

Gene: FLCN (folliculin; minus strand). Cytogenetic location: 17p11.2.
Variant type: Microsatellite.
Coding change: c.718TCGCTGACA[3] on transcript NM_144997.7 (MANE Select); three copies in a row of the 9-base unit TCGCTGACA starting at c.718; the reference has two copies in a row; one copy, 9 bases duplicated.
Protein change: p.241LTS[3].
Molecular consequence: inframe insertion.
Genome position (GRCh38, 1-based): chr17:17,222,545-17,222,553, TGTCAGCGA duplicated on the plus strand (TCGCTGACA on the coding strand, the reverse complement: FLCN is on the minus strand); duplicating any 9 consecutive bases within chr17:17,222,545-17,222,562 gives the same sequence; the position shown is the placement nearest the transcript's 3' end. VCF-style (leftmost placement, unchanged base first): chr17-17222544-T-TTGTCAGCGA. GRCh37 (hg19) VCF-style: chr17-17125858-T-TTGTCAGCGA.
Other names: c.772TCGCTGACA[3], p.259LTS[3] (NM_001353229.2); c.718TCGCTGACA[3], p.241LTS[3] (NM_001353230.2, NM_001353231.2, NM_144606.7).
Identifiers: ClinVar variation 571075 (VCV000571075.6), dbSNP rs1209487287, ClinGen allele CA891844378.